The following is an entry in ClinVar:

ClinVar aggregate classification (germline): Uncertain significance (1 of 4 stars; one submission).

Allele frequency attached by ClinVar (database versions not stated): gnomAD exomes 0.00001; TOPMed 0.00001; gnomAD 0.00003.
gnomAD v4.1: 13 of 1,578,316 alleles (0.00082%); highest among the groups gnomAD compares: African/African-American, 0.0054%; no homozygotes.

Submission:

Labcorp Genetics (formerly Invitae), Labcorp
Classification: Uncertain significance. Last evaluated: 2025-01-06. Review status: criteria provided, single submitter. Criteria: Invitae Variant Classification Sherloc (09022015). Collection method: clinical testing. Allele origin: germline.
Comment: This sequence change replaces glutamine, which is neutral and polar, with glutamic acid, which is acidic and polar, at codon 242 of the CNGB1 protein (p.Gln242Glu). This variant is present in population databases (no rsID available, gnomAD 0.02%). This variant has not been reported in the literature in individuals affected with CNGB1-related conditions. ClinVar contains an entry for this variant (Variation ID: 1016785). Invitae Evidence Modeling of protein sequence and biophysical properties (such as structural, functional, and spatial information, amino acid conservation, physicochemical variation, residue mobility, and thermodynamic stability) indicates that this missense variant is not expected to disrupt CNGB1 protein function with a negative predictive value of 95%. In summary, the available evidence is currently insufficient to determine the role of this variant in disease. Therefore, it has been classified as a Variant of Uncertain Significance.

NM_001297.5(CNGB1):c.724C>G (p.Gln242Glu)

Gene: CNGB1 (cyclic nucleotide gated channel subunit beta 1; minus strand). Cytogenetic location: 16q21.
Variant type: single nucleotide variant.
Coding change: c.724C>G on transcript NM_001297.5 (MANE Select); coding-DNA position 724, C replaced by G.
Protein change: p.Gln242Glu; replaces glutamine 242 with glutamic acid.
Molecular consequence: missense variant.
Genome position (GRCh38, 1-based): chr16:57,959,925, G>C on the plus strand (C>G on the coding strand, the complement: CNGB1 is on the minus strand). VCF-style: chr16-57959925-G-C. GRCh37 (hg19) VCF-style: chr16-57993829-G-C.
Other names: c.724C>G, p.Gln242Glu (NM_001135639.2); c.706C>G, p.Gln236Glu (NM_001286130.2); short protein forms Q236E, Q242E.
Identifiers: ClinVar variation 1016785 (VCV001016785.8), dbSNP rs1482451622, ClinGen allele CA396077508.